The following is an entry in ClinVar:

ClinVar aggregate classification (germline): Likely pathogenic (1 of 4 stars; one submission).

Submission:

GeneDx
Classification: Likely pathogenic. Last evaluated: 2024-11-21. Review status: criteria provided, single submitter. Criteria: GeneDx Variant Classification Process June 2021. Collection method: clinical testing. Allele origin: germline. Affected: yes.
Comment: Not observed at significant frequency in large population cohorts (gnomAD); In silico analysis supports that this missense variant has a deleterious effect on protein structure/function; This variant is associated with the following publications: (PMID: 28545555, 34621053)

NM_017654.4(SAMD9):c.2248A>T (p.Ile750Phe)

Gene: SAMD9 (sterile alpha motif domain containing 9; minus strand). Cytogenetic location: 7q21.2.
Variant type: single nucleotide variant.
Coding change: c.2248A>T on transcript NM_017654.4 (MANE Select); coding-DNA position 2248, A replaced by T.
Protein change: p.Ile750Phe; replaces isoleucine 750 with phenylalanine.
Molecular consequence: missense variant.
Genome position (GRCh38, 1-based): chr7:93,103,850, T>A on the plus strand (A>T on the coding strand, the complement: SAMD9 is on the minus strand). VCF-style: chr7-93103850-T-A. GRCh37 (hg19) VCF-style: chr7-92733163-T-A.
Other names: c.2248A>T, p.Ile750Phe (NM_001193307.2); short protein forms I750F.
Identifiers: ClinVar variation 3900228 (VCV003900228.1).
Genomic context (GRCh38, chr7:93,103,850, plus strand): 5'-AATCCACTGTCTTGTTTTTCAGCACAGCACATCTGAATTTCTTCCTTAGTTCCCAGAGAA[T>A]GTGCATAGCCAAGGTAGTTCCCCCACAGCCTGGATGATGATACAGATGAATAATTTTGGT-3'
Protein context (NP_060124.2, residues 740-760): GCGGTTLAMH[Ile750Phe]LWELRKKFRC